The following is an entry in ClinVar:

NC_000011.10:g.102798678T>C

Gene: MMP1 (matrix metallopeptidase 1; minus strand). Cytogenetic location: 11q22.2.
Variant type: single nucleotide variant.
Genome position: GRCh38 VCF-style: chr11-102798678-T-C. GRCh37 (hg19) VCF-style: chr11-102669409-T-C.
Identifiers: ClinVar variation 1229767 (VCV001229767.4), dbSNP rs1144393, ClinGen allele CA13394800.

ClinVar aggregate classification (germline): Benign (1 of 4 stars; one submission).

Allele frequency attached by ClinVar (database versions not stated): 1000 Genomes Project 0.19768; 1000 Genomes Project 30x 0.20112; TOPMed 0.28649; gnomAD 0.29353 and 0.29976.

Submission:

GeneDx
Classification: Benign. Last evaluated: 2020-09-22. Review status: criteria provided, single submitter. Criteria: GeneDx Variant Classification Process June 2021. Collection method: clinical testing. Allele origin: germline. Affected: yes.
Comment: This variant is associated with the following publications: (PMID: 18602909, 19406964, 16210545)